The following is an entry in ClinVar:

ClinVar aggregate classification (germline): Uncertain significance. Review status: criteria provided, multiple submitters, no conflicts (2 of 4 stars). 2 submissions from 2 submitters: Uncertain significance (2). Last evaluated 2025-05-17.

Conditions:
Inborn genetic diseases. Identifiers: MedGen C0950123, MeSH D030342.

gnomAD v4.1: 4 of 1,614,102 alleles (0.00025%); highest among the groups gnomAD compares: Admixed American, 0.0067%; no homozygotes.

Submissions (2):

Ambry Genetics
Classification: Uncertain significance for Inborn genetic diseases. Last evaluated: 2025-05-17. Review status: criteria provided, single submitter. Criteria: Ambry Variant Classification Scheme 2023. Collection method: clinical testing. Allele origin: germline.

Labcorp Genetics (formerly Invitae), Labcorp
Classification: Uncertain significance. Last evaluated: 2025-05-12. Review status: criteria provided, single submitter. Criteria: Invitae Variant Classification Sherloc (09022015). Collection method: clinical testing. Allele origin: germline.
Comment: This sequence change replaces leucine, which is neutral and non-polar, with glutamine, which is neutral and polar, at codon 1058 of the PLD1 protein (p.Leu1058Gln). This variant is present in population databases (rs758772146, gnomAD 0.01%). This variant has not been reported in the literature in individuals affected with PLD1-related conditions. Invitae Evidence Modeling of protein sequence and biophysical properties (such as structural, functional, and spatial information, amino acid conservation, physicochemical variation, residue mobility, and thermodynamic stability) indicates that this missense variant is not expected to disrupt PLD1 protein function with a negative predictive value of 80%. In summary, the available evidence is currently insufficient to determine the role of this variant in disease. Therefore, it has been classified as a Variant of Uncertain Significance.

NM_002662.5(PLD1):c.3173T>A (p.Leu1058Gln)

Gene: PLD1 (phospholipase D1; minus strand). Cytogenetic location: 3q26.31.
Variant type: single nucleotide variant.
Coding change: c.3173T>A on transcript NM_002662.5 (MANE Select); coding-DNA position 3173, T replaced by A.
Protein change: p.Leu1058Gln; replaces leucine 1058 with glutamine.
Molecular consequence: missense variant.
Genome position (GRCh38, 1-based): chr3:171,603,130, A>T on the plus strand (T>A on the coding strand, the complement: PLD1 is on the minus strand). VCF-style: chr3-171603130-A-T. GRCh37 (hg19) VCF-style: chr3-171320920-A-T.
Other names: c.3059T>A, p.Leu1020Gln (NM_001130081.3); short protein forms L1058Q, L1020Q.
Identifiers: ClinVar variation 3933865 (VCV003933865.2).
Genomic context (GRCh38, chr3:171,603,130, plus strand): 5'-AATATCTCTTAAGTCCAAACCTCCATGGGCACTATGGCCTCTTTGGTCCCAACAGAAGGC[A>T]GTAGGCTTTCTTCAGACAAGAAATAAAAGGGGAATTGCACCAAAAATCCACGGATCTTCT-3'
Protein context (NP_002653.1, residues 1048-1068): PFYFLSEESL[Leu1058Gln]PSVGTKEAIV